The following is an entry in ClinVar:

NM_006070.6(TFG):c.1148G>A (p.Arg383His)

Gene: TFG (trafficking from ER to golgi regulator; plus strand). Cytogenetic location: 3q12.2.
Variant type: single nucleotide variant.
Coding change: c.1148G>A on transcript NM_006070.6 (MANE Select); coding-DNA position 1148, G replaced by A.
Protein change: p.Arg383His; replaces arginine 383 with histidine.
Molecular consequence: missense variant.
Genome position (GRCh38, 1-based): chr3:100,748,476, G>A. VCF-style: chr3-100748476-G-A. GRCh37 (hg19) VCF-style: chr3-100467320-G-A.
Other names: c.1148G>A, p.Arg383His (NM_001007565.2, NM_001195478.2); c.1136G>A, p.Arg379His (NM_001195479.2); short protein forms R383H, R379H.
Identifiers: ClinVar variation 5000367 (VCV005000367.1).

ClinVar aggregate classification (germline): Uncertain significance (1 of 4 stars; one submission).

Conditions:
TFG-related disorder. Also called: TFG-related disorders; TFG-related condition.

gnomAD v4.1: 26 of 1,614,016 alleles (0.0016%); highest among the groups gnomAD compares: East Asian, 0.029%; no homozygotes.

Submission:

PreventionGenetics, part of Exact Sciences
Classification: Uncertain significance for TFG-related condition. Last evaluated: 2026-02-25. Review status: criteria provided, single submitter. Criteria: ACMG Guidelines, 2015. Collection method: clinical testing. Allele origin: germline.
Comment: The TFG c.1148G>A variant is predicted to result in the amino acid substitution p.Arg383His. This variant has also been reported in the heterozygous state in five affected members of a large family (Yoo et al. 2022. PubMed ID: 34779525) with variable clinical diagnoses including amyotrophic lateral sclerosis (ALS; n = 1), Parkinson's disease (n = 1), and subclinical parkinsonism (n = 3). In vitro studies in HeLa cells demonstrated that this variant led to reduced cell viability (Yoo et al. 2022. PubMed ID: 34779525), and further co-expression experiments (same study) found that this variant led to the increased production and secretion of α-synuclein and TDP-43 protein aggregates. This variant is reported in 0.027% of alleles in individuals of East Asian descent in gnomAD. Although we suspect that this variant may be pathogenic, the clinical significance of this variant is uncertain at this time due to the absence of conclusive functional and genetic evidence.